The following is an entry in ClinVar:

NM_138409.4(MRAP2):c.220C>T (p.His74Tyr)

Gene: MRAP2 (melanocortin 2 receptor accessory protein 2; plus strand). Cytogenetic location: 6q14.2.
Variant type: single nucleotide variant.
Coding change: c.220C>T on transcript NM_138409.4 (MANE Select); coding-DNA position 220, C replaced by T.
Protein change: p.His74Tyr; replaces histidine 74 with tyrosine.
Molecular consequence: missense variant. On other transcripts: 5 prime UTR variant (1), intron variant (1).
Genome position (GRCh38, 1-based): chr6:84,062,985, C>T. VCF-style: chr6-84062985-C-T. GRCh37 (hg19) VCF-style: chr6-84772704-C-T.
Other names: c.220C>T, p.His74Tyr (NM_001346542.2, NM_001346544.2); c.-40C>T (NM_001346543.2); c.-32+7540C>T (NM_001346541.2); short protein forms H74Y.
Identifiers: ClinVar variation 4692321 (VCV004692321.1).

ClinVar aggregate classification (germline): Uncertain significance (1 of 4 stars; one submission).

gnomAD v4.1: 1 of 1,614,172 alleles (0.000062%); highest among the groups gnomAD compares: Non-Finnish European, 0.000085%; no homozygotes.

Submission:

Labcorp Genetics (formerly Invitae), Labcorp
Classification: Uncertain significance. Last evaluated: 2025-10-22. Review status: criteria provided, single submitter. Criteria: Invitae Variant Classification Sherloc (09022015). Collection method: clinical testing. Allele origin: germline.
Comment: This sequence change replaces histidine, which is basic and polar, with tyrosine, which is neutral and polar, at codon 74 of the MRAP2 protein (p.His74Tyr). This variant is not present in population databases (gnomAD no frequency). This variant has not been reported in the literature in individuals affected with MRAP2-related conditions. An algorithm developed to predict the effect of missense changes on protein structure and function (PolyPhen-2) suggests that this variant is likely to be disruptive. In summary, the available evidence is currently insufficient to determine the role of this variant in disease. Therefore, it has been classified as a Variant of Uncertain Significance.